The following is an entry in ClinVar:

NM_000138.5(FBN1):c.8224G>A (p.Glu2742Lys)

Gene: FBN1 (fibrillin 1; minus strand). Cytogenetic location: 15q21.1.
Variant type: single nucleotide variant.
Coding change: c.8224G>A on transcript NM_000138.5 (MANE Select); coding-DNA position 8224, G replaced by A.
Protein change: p.Glu2742Lys; replaces glutamic acid 2742 with lysine.
Molecular consequence: missense variant.
Genome position (GRCh38, 1-based): chr15:48,412,571, C>T on the plus strand (G>A on the coding strand, the complement: FBN1 is on the minus strand). VCF-style: chr15-48412571-C-T. GRCh37 (hg19) VCF-style: chr15-48704768-C-T.
Other names: short protein forms E2742K.
Identifiers: ClinVar variation 520239 (VCV000520239.29), dbSNP rs750199580, ClinGen allele CA059778.

ClinVar aggregate classification (germline): Conflicting classifications of pathogenicity. Review status: criteria provided, conflicting classifications (1 of 4 stars). 9 submissions from 9 submitters: Uncertain significance (6); Likely benign (3). Last evaluated 2025-11-01.

Conditions:
Marfan syndrome (MFS). Also called: Marfan syndrome type 1; Marfan syndrome, classic; FBN1-Related Marfan Syndrome; Marfan's syndrome; MARFAN SYNDROME, TYPE I. Identifiers: Orphanet 284963, Orphanet 558, MedGen C0024796, MONDO:0007947, OMIM 154700.
Familial thoracic aortic aneurysm and aortic dissection (TAAD). Also called: Thoracic aortic aneurysms and dissections. Identifiers: Orphanet 91387, MedGen C4707243, MONDO:0019625.

Allele frequency attached by ClinVar (database versions not stated): ExAC 0.00001; gnomAD exomes 0.00001 and 0.00003; gnomAD 0.00003; TOPMed 0.00003.
gnomAD v4.1: 43 of 1,613,888 alleles (0.0027%); highest among the groups gnomAD compares: Non-Finnish European, 0.0036%; no homozygotes.

Submissions (9):

CeGaT Center for Human Genetics Tuebingen
Classification: Likely benign. Last evaluated: 2025-11-01. Review status: criteria provided, single submitter. Criteria: CeGaT Center For Human Genetics Tuebingen Variant Classification Criteria Version 2. Collection method: clinical testing. Allele origin: germline. Affected: yes. Observed: 1 variant allele.
Comment: FBN1: BP4, BS2

Color Diagnostics, LLC DBA Color Health
Classification: Likely benign for Familial thoracic aortic aneurysm and aortic dissection. Last evaluated: 2025-06-19. Review status: criteria provided, single submitter. Criteria: ACMG Guidelines, 2015. Collection method: clinical testing. Allele origin: germline.

Molecular Diagnostic Laboratory for Inherited Cardiovascular Disease, Montreal Heart Institute
Classification: Likely benign. Last evaluated: 2025-04-09. Review status: criteria provided, single submitter. Criteria: ACMG Guidelines, 2015. Collection method: clinical testing. Allele origin: germline. Affected: no.
Comment: BS1;BP4

Labcorp Genetics (formerly Invitae), Labcorp
Classification: Uncertain significance for Marfan syndrome; Familial thoracic aortic aneurysm and aortic dissection. Last evaluated: 2025-03-11. Review status: criteria provided, single submitter. Criteria: Invitae Variant Classification Sherloc (09022015). Collection method: clinical testing. Allele origin: germline.
Comment: This sequence change replaces glutamic acid, which is acidic and polar, with lysine, which is basic and polar, at codon 2742 of the FBN1 protein (p.Glu2742Lys). This variant is present in population databases (rs750199580, gnomAD 0.003%). This missense change has been observed in individual(s) with clinical features of FBN1-related conditions (internal data). ClinVar contains an entry for this variant (Variation ID: 520239). An algorithm developed to predict the effect of missense changes on protein structure and function outputs the following: PolyPhen-2: "Benign". The lysine amino acid residue is found in multiple mammalian species, which suggests that this missense change does not adversely affect protein function. In summary, the available evidence is currently insufficient to determine the role of this variant in disease. Therefore, it has been classified as a Variant of Uncertain Significance.

All of Us Research Program, National Institutes of Health
Classification: Uncertain significance for Marfan syndrome. Last evaluated: 2023-12-01. Review status: criteria provided, single submitter. Criteria: ACMG Guidelines, 2015. Collection method: clinical testing. Allele origin: germline. Inheritance: Autosomal dominant inheritance. Observed: 8 variant alleles, 8 heterozygotes.
Comment: This missense variant replaces glutamic acid with lysine at codon 2742 of the FBN1 protein. Computational prediction tools and conservation analyses are inconclusive regarding the impact of this variant on the protein function. Computational splicing tools suggest that this variant may not impact RNA splicing. To our knowledge, functional assays have not been performed for this variant nor has this variant been reported in individuals affected with cardiovascular disorders in the literature. This variant has been identified in 4/282592 chromosomes in the general population by the Genome Aggregation Database (gnomAD). Available evidence is insufficient to determine the role of this variant in disease conclusively. Therefore, this variant is classified as a Variant of Uncertain Significance.

This study involves interpretation of variants in research participants for the purpose of population health screening. Participant phenotype was not available at the time of variant classification. Additional details can be found in publication PMID: 35346344, PMCID: PMC8962531

GeneDx
Classification: Uncertain significance. Last evaluated: 2022-07-29. Review status: criteria provided, single submitter. Criteria: GeneDx Variant Classification Process June 2021. Collection method: clinical testing. Allele origin: germline. Affected: yes.
Comment: Has not been previously published as pathogenic or benign to our knowledge; Not observed at significant frequency in large population cohorts (gnomAD); In silico analysis supports that this missense variant does not alter protein structure/function

Ambry Genetics
Classification: Uncertain significance for Familial thoracic aortic aneurysm and aortic dissection. Last evaluated: 2021-03-25. Review status: criteria provided, single submitter. Criteria: Ambry Variant Classification Scheme 2023. Collection method: clinical testing. Allele origin: germline.
Comment: The p.E2742K variant (also known as c.8224G>A), located in coding exon 64 of the FBN1 gene, results from a G to A substitution at nucleotide position 8224. The glutamic acid at codon 2742 is replaced by lysine, an amino acid with similar properties. This amino acid position is not well conserved in available vertebrate species, and lysine is the reference amino acid in other vertebrate species. In addition, this alteration is predicted to be tolerated by in silico analysis. Since supporting evidence is limited at this time, the clinical significance of this alteration remains unclear.

Women's Health and Genetics/Laboratory Corporation of America, LabCorp
Classification: Uncertain significance. Last evaluated: 2020-09-16. Review status: criteria provided, single submitter. Criteria: LabCorp Variant Classification Summary - May 2015. Collection method: clinical testing. Allele origin: germline.
Comment: Variant summary: FBN1 c.8224G>A (p.Glu2742Lys) results in a conservative amino acid change in the encoded protein sequence. Five of five in-silico tools predict a benign effect of the variant on protein function. The variant is located close to a canonical splice site, and therefore could affect splicing: 4/4 computational tools predict no significant impact on normal splicing. However, these predictions have yet to be confirmed by functional studies. The variant allele was found at a frequency of 8e-06 in 251196 control chromosomes. The available data on variant occurrences in the general population are insufficient to allow any conclusion about variant significance. To our knowledge, no occurrence of c.8224G>A in individuals affected with Marfan Syndrome and no experimental evidence demonstrating its impact on protein function have been reported. One clinical diagnostic laboratory has submitted clinical-significance assessments for this variant to ClinVar after 2014 without evidence for independent evaluation, and classified the variant as uncertain significance. Based on the evidence outlined above, the variant was classified as uncertain significance.

Revvity Omics, Revvity
Classification: Uncertain significance. Last evaluated: 2020-02-15. Review status: criteria provided, single submitter. Criteria: ACMG Guidelines, 2015. Collection method: clinical testing. Allele origin: germline.